The following is an entry in ClinVar:

ClinVar aggregate classification (germline): Uncertain significance (1 of 4 stars; one submission).

Conditions:
Peroxisome biogenesis disorder, complementation group 7 (CG7). Also called: Peroxisome biogenesis disorder, complementation group B. Identifiers: MedGen C1864399.

Allele frequency attached by ClinVar (database versions not stated): ExAC 0.00003.
gnomAD v4.1: 11 of 1,608,392 alleles (0.00068%); highest among the groups gnomAD compares: South Asian, 0.011%; no homozygotes.

Submission:

Labcorp Genetics (formerly Invitae), Labcorp
Classification: Uncertain significance for Peroxisome biogenesis disorder, complementation group 7. Last evaluated: 2022-08-19. Review status: criteria provided, single submitter. Criteria: Invitae Variant Classification Sherloc (09022015). Collection method: clinical testing. Allele origin: germline.
Comment: This sequence change replaces leucine, which is neutral and non-polar, with valine, which is neutral and non-polar, at codon 221 of the PEX10 protein (p.Leu221Val). This variant is present in population databases (rs779833827, gnomAD 0.01%). This variant has not been reported in the literature in individuals affected with PEX10-related conditions. Algorithms developed to predict the effect of missense changes on protein structure and function (SIFT, PolyPhen-2, Align-GVGD) all suggest that this variant is likely to be tolerated. Algorithms developed to predict the effect of sequence changes on RNA splicing suggest that this variant may disrupt the consensus splice site. In summary, the available evidence is currently insufficient to determine the role of this variant in disease. Therefore, it has been classified as a Variant of Uncertain Significance.

NM_002617.4(PEX10):c.601C>G (p.Leu201Val)

Gene: PEX10 (peroxisomal biogenesis factor 10; minus strand). Cytogenetic location: 1p36.32.
Variant type: single nucleotide variant.
Coding change: c.601C>G on transcript NM_002617.4 (MANE Select); coding-DNA position 601, C replaced by G.
Protein change: p.Leu201Val; replaces leucine 201 with valine.
Molecular consequence: missense variant. On other transcripts: non-coding transcript variant (1).
Genome position (GRCh38, 1-based): chr1:2,406,895, G>C on the plus strand (C>G on the coding strand, the complement: PEX10 is on the minus strand). VCF-style: chr1-2406895-G-C. GRCh37 (hg19) VCF-style: chr1-2338334-G-C.
Other names: c.658C>G, p.Leu220Val (NM_001374425.1); c.226C>G, p.Leu76Val (NM_001374426.1); c.169C>G, p.Leu57Val (NM_001374427.1); c.661C>G, p.Leu221Val (NM_153818.2); short protein forms L220V, L201V, L76V, L221V, L57V.
Identifiers: ClinVar variation 1989525 (VCV001989525.1), dbSNP rs779833827, ClinGen allele CA538094.